The following is an entry in ClinVar:

NM_182931.3(KMT2E):c.5405G>C (p.Ser1802Thr)

Gene: KMT2E (lysine methyltransferase 2E (inactive); plus strand). Cytogenetic location: 7q22.3.
Variant type: single nucleotide variant.
Coding change: c.5405G>C on transcript NM_182931.3 (MANE Select); coding-DNA position 5405, G replaced by C.
Protein change: p.Ser1802Thr; replaces serine 1802 with threonine.
Molecular consequence: missense variant.
Genome position (GRCh38, 1-based): chr7:105,113,161, G>C. VCF-style: chr7-105113161-G-C. GRCh37 (hg19) VCF-style: chr7-104753608-G-C.
Other names: c.5279G>C, p.Ser1760Thr (NM_001410908.1); c.5405G>C, p.Ser1802Thr (NM_018682.4); short protein forms S1760T, S1802T.
Identifiers: ClinVar variation 3370826 (VCV003370826.1).

ClinVar aggregate classification (germline): Uncertain significance (1 of 4 stars; one submission).

Submission:

GeneDx
Classification: Uncertain significance. Last evaluated: 2024-03-10. Review status: criteria provided, single submitter. Criteria: GeneDx Variant Classification Process June 2021. Collection method: clinical testing. Allele origin: germline. Affected: yes.
Comment: Not observed at significant frequency in large population cohorts (gnomAD); In silico analysis supports that this missense variant does not alter protein structure/function; Has not been previously published as pathogenic or benign to our knowledge